The following is an entry in ClinVar:

NC_000023.10:g.(?_2835825)_(2878441_?)del

Genes: ARSD (arylsulfatase D; minus strand), ARSL (arylsulfatase L; minus strand). Cytogenetic location: Xp22.33.
Variant type: Deletion.
Identifiers: ClinVar variation 2422194 (VCV002422194.3).

ClinVar aggregate classification (germline): Pathogenic (1 of 4 stars; one submission).

Conditions:
Chondrodysplasia punctata, brachytelephalangic, autosomal. Also called: BRACHYTELEPHALANGIC CHONDRODYSPLASIA PUNCTATA. Identifiers: MedGen C1844853, MONDO:0011238, OMIM 602497.

Submission:

Labcorp Genetics (formerly Invitae), Labcorp
Classification: Pathogenic for Chondrodysplasia punctata, brachytelephalangic, autosomal. Last evaluated: 2022-10-27. Review status: criteria provided, single submitter. Criteria: Invitae Variant Classification Sherloc (09022015). Collection method: clinical testing. Allele origin: germline.
Comment: A gross deletion of the genomic region encompassing the full coding sequence of the ARSE gene has been identified. Loss-of-function variants in ARSE are known to be pathogenic (PMID: 9497243, 23470839). The boundaries of this event are unknown as they extend beyond the assayed region for this gene and therefore may encompass additional genes. A similar copy number variant has been observed in individuals with chondrodysplasia punctata (PMID: 12567415, 23470839). For these reasons, this variant has been classified as Pathogenic.

Literature cited by the submitters: PubMed 9497243; PubMed 23470839; PubMed 12567415.